The following is an entry in ClinVar:

ClinVar aggregate classification (germline): Uncertain significance (1 of 4 stars; one submission).

Allele frequency attached by ClinVar (database versions not stated): TOPMed 0.00002; ExAC 0.00003; gnomAD 0.00003 and 0.00004; gnomAD exomes 0.00004 and 0.00006; ESP Exome Variant Server 0.00008.

Submission:

Labcorp Genetics (formerly Invitae), Labcorp
Classification: Uncertain significance. Last evaluated: 2025-10-27. Review status: criteria provided, single submitter. Criteria: Invitae Variant Classification Sherloc (09022015). Collection method: clinical testing. Allele origin: germline.
Comment: This sequence change replaces aspartic acid, which is acidic and polar, with tyrosine, which is neutral and polar, at codon 260 of the C21orf59 protein (p.Asp260Tyr). This variant is present in population databases (rs150984638, gnomAD 0.01%). This variant has not been reported in the literature in individuals affected with C21orf59-related conditions. ClinVar contains an entry for this variant (Variation ID: 525351). An algorithm developed to predict the effect of missense changes on protein structure and function (PolyPhen-2) suggests that this variant is likely to be disruptive. In summary, the available evidence is currently insufficient to determine the role of this variant in disease. Therefore, it has been classified as a Variant of Uncertain Significance.

NM_021254.4(CFAP298):c.778G>T (p.Asp260Tyr)

Genes: CFAP298 (cilia and flagella associated protein 298; minus strand), CFAP298-TCP10L (CFAP298-TCP10L readthrough; minus strand). Cytogenetic location: 21q22.11.
Variant type: single nucleotide variant.
Coding change: c.778G>T on transcript NM_021254.4 (MANE Select); coding-DNA position 778, G replaced by T.
Protein change: p.Asp260Tyr; replaces aspartic acid 260 with tyrosine.
Molecular consequence: missense variant. On other transcripts: 3 prime UTR variant (2), intron variant (1).
Genome position (GRCh38, 1-based): chr21:32,601,958, C>A on the plus strand (G>T on the coding strand, the complement: CFAP298 is on the minus strand). VCF-style: chr21-32601958-C-A. GRCh37 (hg19) VCF-style: chr21-33974268-C-A.
Other names: c.481G>T, p.Asp161Tyr (NM_001350334.2); c.*1131G>T (NM_001350335.2); c.682G>T, p.Asp228Tyr (NM_001350336.2); c.*266G>T (NM_001350337.2); c.666+1203G>T (NM_001350338.2); short protein forms D260Y, D228Y, D161Y.
Identifiers: ClinVar variation 525351 (VCV000525351.7), dbSNP rs150984638, ClinGen allele CA10002706.